The following is an entry in ClinVar:

NM_002485.5(NBN):c.991A>G (p.Thr331Ala)

Gene: NBN (nibrin; minus strand). Cytogenetic location: 8q21.3.
Variant type: single nucleotide variant.
Coding change: c.991A>G on transcript NM_002485.5 (MANE Select); coding-DNA position 991, A replaced by G.
Protein change: p.Thr331Ala; replaces threonine 331 with alanine.
Molecular consequence: missense variant.
Genome position (GRCh38, 1-based): chr8:89,964,413, T>C on the plus strand (A>G on the coding strand, the complement: NBN is on the minus strand). VCF-style: chr8-89964413-T-C. GRCh37 (hg19) VCF-style: chr8-90976641-T-C.
Other names: c.745A>G, p.Thr249Ala (NM_001024688.3); short protein forms T331A, T249A.
Identifiers: ClinVar variation 2566737 (VCV002566737.2), dbSNP rs2488283898, ClinGen allele CA371656842.

ClinVar aggregate classification (germline): Uncertain significance (1 of 4 stars; one submission).

Conditions:
Hereditary cancer-predisposing syndrome. Also called: Hereditary neoplastic syndrome; Hereditary Cancer Syndrome; Neoplastic Syndromes, Hereditary; Tumor predisposition. Identifiers: Orphanet 140162, MedGen C0027672, MeSH D009386, MONDO:0015356.

Allele frequency attached by ClinVar (database versions not stated): gnomAD exomes below 0.00001.
gnomAD v4.1: 1 of 1,613,822 alleles (0.000062%); highest among the groups gnomAD compares: Non-Finnish European, 0.000085%; no homozygotes.

Submission:

Ambry Genetics
Classification: Uncertain significance for Hereditary cancer-predisposing syndrome. Last evaluated: 2023-05-15. Review status: criteria provided, single submitter. Criteria: Ambry Variant Classification Scheme 2023. Collection method: clinical testing. Allele origin: germline.
Comment: The p.T331A variant (also known as c.991A>G), located in coding exon 8 of the NBN gene, results from an A to G substitution at nucleotide position 991. The threonine at codon 331 is replaced by alanine, an amino acid with similar properties. This amino acid position is conserved. In addition, this alteration is predicted to be tolerated by in silico analysis. Since supporting evidence is limited at this time, the clinical significance of this alteration remains unclear.